The following is an entry in ClinVar:

ClinVar aggregate classification (germline): Likely benign. Review status: criteria provided, multiple submitters, no conflicts (2 of 4 stars). 4 submissions from 4 submitters: Likely benign (3). 1 of the submissions does not count toward it. Last evaluated 2025-01-13.

Conditions:
G6PC3-related disorder. Also called: G6PC3-related condition.
Autosomal recessive severe congenital neutropenia due to G6PC3 deficiency. Also called: G6PC3 Deficiency; NEUTROPENIA, SEVERE CONGENITAL, 4, AUTOSOMAL RECESSIVE. Identifiers: Orphanet 331176, MedGen C2751630, MONDO:0012930, OMIM 612541.
Inborn genetic diseases. Identifiers: MedGen C0950123, MeSH D030342.

Allele frequency attached by ClinVar (database versions not stated): ExAC 0.00001; gnomAD 0.00001; TOPMed 0.00001; gnomAD exomes 0.00002.

Submissions (4):

Labcorp Genetics (formerly Invitae), Labcorp
Classification: Likely benign for Autosomal recessive severe congenital neutropenia due to G6PC3 deficiency. Last evaluated: 2025-01-13. Review status: criteria provided, single submitter. Criteria: Invitae Variant Classification Sherloc (09022015). Collection method: clinical testing. Allele origin: germline.

Ambry Genetics
Classification: Likely benign for Inborn genetic diseases. Last evaluated: 2024-12-07. Review status: criteria provided, single submitter. Criteria: Ambry Variant Classification Scheme 2023. Collection method: clinical testing. Allele origin: germline.

Blueprint Genetics
Classification: Likely benign. Last evaluated: 2024-09-21. Review status: criteria provided, single submitter. Criteria: ACMG Guidelines, 2015. Collection method: clinical testing. Allele origin: germline.

PreventionGenetics, part of Exact Sciences
Classification: Likely benign for G6PC3-related condition. Last evaluated: 2021-09-17. Review status: no assertion criteria provided. Collection method: clinical testing. Allele origin: germline. Not counted in ClinVar's aggregate classification.
Comment: This variant is classified as likely benign based on ACMG/AMP sequence variant interpretation guidelines (Richards et al. 2015 PMID: 25741868, with internal and published modifications).

NM_138387.4(G6PC3):c.879G>A (p.Leu293=)

Gene: G6PC3 (glucose-6-phosphatase catalytic subunit 3; plus strand). Cytogenetic location: 17q21.31.
Variant type: single nucleotide variant.
Coding change: c.879G>A on transcript NM_138387.4 (MANE Select); coding-DNA position 879, G replaced by A.
Protein change: p.Leu293=; no amino-acid change (leucine 293 retained).
Molecular consequence: synonymous variant. On other transcripts: 3 prime UTR variant (1).
Genome position (GRCh38, 1-based): chr17:44,075,881, G>A. VCF-style: chr17-44075881-G-A. GRCh37 (hg19) VCF-style: chr17-42153249-G-A.
Other names: c.*172G>A (NM_001319945.2); c.534G>A, p.Leu178= (NM_001384165.1, NM_001384166.1, NM_001384167.1 and 1 more transcripts).
Identifiers: ClinVar variation 537189 (VCV000537189.15), dbSNP rs780718603, ClinGen allele CA8596166.
Genomic context (GRCh38, chr17:44,075,881, plus strand): 5'-GCGTCGGGCACAGCTGGGAAATGGCCAGAAGATAGCCTGCCTTGTGCTGGCCATGGGGCT[G>A]CTGGGCCCCCTGGACTGGCTGGGCCACCCCCCTCAGATCAGCCTCTTCTACATTTTCAAT-3'
Protein context (NP_612396.1, residues 283-303): KIACLVLAMG[Leu293=]LGPLDWLGHP